The following is an entry in ClinVar:

ClinVar aggregate classification (germline): Likely pathogenic. Review status: criteria provided, multiple submitters, no conflicts (2 of 4 stars). 2 submissions from 2 submitters: Likely pathogenic (2). Last evaluated 2024-12-02.

Conditions:
Becker muscular dystrophy (BMD). Also called: Becker Muscular Dystrophy (BMD); MUSCULAR DYSTROPHY, PSEUDOHYPERTROPHIC PROGRESSIVE, BECKER TYPE. Identifiers: Orphanet 98895, MedGen C0917713, MONDO:0010311, OMIM 300376.
Dilated cardiomyopathy 3B (CMD3B). Also called: CMD3B: DMD-Related Dilated Cardiomyopathy; CARDIOMYOPATHY, DILATED, X-LINKED; DMD-Associated Dilated Cardiomyopathy. Identifiers: Orphanet 154, MedGen C3668940, MONDO:0010542, OMIM 302045.
Duchenne muscular dystrophy (DMD). Also called: Duchenne Muscular Dystrophy (DMD); MUSCULAR DYSTROPHY, PSEUDOHYPERTROPHIC PROGRESSIVE, DUCHENNE TYPE. Identifiers: Orphanet 98896, MedGen C0013264, MONDO:0010679, OMIM 310200.
Becker muscular dystrophy, Cardiomyopathy, Duchenne muscular dystrophy, Dystrophin deficiency.

Submissions (2):

Natera, Inc.
Classification: Likely pathogenic for Becker muscular dystrophy, Cardiomyopathy, Duchenne muscular dystrophy, Dystrophin deficiency. Last evaluated: 2024-12-02. Review status: criteria provided, single submitter. Criteria: Natera Variant Classification Schema (03/2026). Collection method: clinical testing. Allele origin: germline.
Comment: The c.832-1G>T variant in DMD is a canonical splice acceptor site variant predicted to affect pre-mRNA splicing, which may result in an abnormal transcript and altered protein product. This variant is expected to result in nonsense mediated decay, truncation, or a dysfunctional protein product. This variant is rare in the general population with a frequency below the threshold expected for the associated phenotype(s). Given the available evidence, this variant is classified as Likely Pathogenic.

Fulgent Genetics
Classification: Likely pathogenic for Becker muscular dystrophy; Dilated cardiomyopathy 3B; Duchenne muscular dystrophy. Last evaluated: 2024-05-02. Review status: criteria provided, single submitter. Criteria: ACMG Guidelines, 2015. Collection method: clinical testing. Allele origin: germline.

NM_004006.3(DMD):c.832-1G>T

Gene: DMD (dystrophin; minus strand). Cytogenetic location: Xp21.1.
Variant type: single nucleotide variant.
Coding change: c.832-1G>T on transcript NM_004006.3 (MANE Select); the canonical splice acceptor site of the intron before coding-DNA position 832, G replaced by T.
Molecular consequence: splice acceptor variant.
Genome position (GRCh38, 1-based): chrX:32,697,999, C>A on the plus strand (G>T on the coding strand, the complement: DMD is on the minus strand). VCF-style: chrX-32697999-C-A. GRCh37 (hg19) VCF-style: chrX-32716116-C-A.
Other names: c.808-1G>T (NM_000109.4); c.820-1G>T (NM_004009.3); c.463-1G>T (NM_004010.3); c.832-1G>T (NM_004006.2).
Identifiers: ClinVar variation 3598274 (VCV003598274.2).